The following is an entry in ClinVar:

ClinVar aggregate classification (germline): Benign/Likely benign. Review status: criteria provided, multiple submitters, no conflicts (2 of 4 stars). 6 submissions from 6 submitters: Benign (1); Likely benign (4). 1 of the submissions does not count toward it. Last evaluated 2026-02-03.

Conditions:
Hereditary cancer-predisposing syndrome. Also called: Tumor predisposition; Hereditary Cancer Syndrome; Neoplastic Syndromes, Hereditary; Hereditary neoplastic syndrome. Identifiers: Orphanet 140162, MedGen C0027672, MeSH D009386, MONDO:0015356.
KIT-related disorder. Also called: KIT-related condition.
Gastrointestinal stromal tumor. Also called: Gastrointestinal stromal tumor, somatic; Gastrointestinal stroma tumor. Identifiers: Orphanet 44890, MedGen C0238198, MeSH D046152, MONDO:0011719, OMIM 606764, HP:0100723.

Allele frequency attached by ClinVar (database versions not stated): gnomAD exomes 0.00007 and 0.00032; gnomAD 0.00019; TOPMed 0.00024; ExAC 0.00030; 1000 Genomes Project 30x 0.00062; 1000 Genomes Project 0.00080.
gnomAD v4.1: 115 of 1,614,196 alleles (0.0071%); highest among the groups gnomAD compares: East Asian, 0.22%; no homozygotes.

Submissions (6):

Labcorp Genetics (formerly Invitae), Labcorp
Classification: Benign for Gastrointestinal stromal tumor. Last evaluated: 2026-02-03. Review status: criteria provided, single submitter. Criteria: Invitae Variant Classification Sherloc (09022015). Collection method: clinical testing. Allele origin: germline.

CeGaT Center for Human Genetics Tuebingen
Classification: Likely benign. Last evaluated: 2026-01-01. Review status: criteria provided, single submitter. Criteria: CeGaT Center For Human Genetics Tuebingen Variant Classification Criteria Version 2. Collection method: clinical testing. Allele origin: germline. Affected: yes. Observed: 1 variant allele.
Comment: KIT: BP4, BS1

Blueprint Genetics
Classification: Likely benign. Last evaluated: 2024-10-22. Review status: criteria provided, single submitter. Criteria: ACMG Guidelines, 2015. Collection method: clinical testing. Allele origin: germline.

Ambry Genetics
Classification: Likely benign for Hereditary cancer-predisposing syndrome. Last evaluated: 2018-12-29. Review status: criteria provided, single submitter. Criteria: Ambry Variant Classification Scheme 2023. Collection method: clinical testing. Allele origin: germline.

Genetic Services Laboratory, University of Chicago
Classification: Likely benign. Last evaluated: 2016-06-24. Review status: criteria provided, single submitter. Criteria: ACMG Guidelines, 2015. Collection method: clinical testing. Allele origin: germline. Affected: no.

PreventionGenetics, part of Exact Sciences
Classification: Likely benign for KIT-related condition. Last evaluated: 2020-08-06. Review status: no assertion criteria provided. Collection method: clinical testing. Allele origin: germline. Not counted in ClinVar's aggregate classification.
Comment: This variant is classified as likely benign based on ACMG/AMP sequence variant interpretation guidelines (Richards et al. 2015 PMID: 25741868, with internal and published modifications).

NM_000222.3(KIT):c.251C>T (p.Thr84Met)

Gene: KIT (KIT proto-oncogene, receptor tyrosine kinase; plus strand). Cytogenetic location: 4q12.
Variant type: single nucleotide variant.
Coding change: c.251C>T on transcript NM_000222.3 (MANE Select); coding-DNA position 251, C replaced by T.
Protein change: p.Thr84Met; replaces threonine 84 with methionine.
Molecular consequence: missense variant.
Genome position (GRCh38, 1-based): chr4:54,695,695, C>T. VCF-style: chr4-54695695-C-T. GRCh37 (hg19) VCF-style: chr4-55561861-C-T.
Other names: c.251C>T, p.Thr84Met (NM_001093772.2, NM_001385284.1, NM_001385285.1 and 4 more transcripts); short protein forms T84M.
Identifiers: ClinVar variation 237265 (VCV000237265.28), dbSNP rs201872586, ClinGen allele CA2923193.